The following is an entry in ClinVar:

ClinVar aggregate classification (germline): Uncertain significance (1 of 4 stars; one submission).

Conditions:
Hereditary spastic paraplegia 4. Also called: Familial spastic paraplegia autosomal dominant 2; Spastic paraplegia 4, autosomal dominant; Spastic Paraplegia 4. Identifiers: Orphanet 100985, MedGen C1866855, MONDO:0008438, OMIM 182601.

Submission:

Labcorp Genetics (formerly Invitae), Labcorp
Classification: Uncertain significance for Hereditary spastic paraplegia 4. Last evaluated: 2025-12-15. Review status: criteria provided, single submitter. Criteria: Invitae Variant Classification Sherloc (09022015). Collection method: clinical testing. Allele origin: germline.
Comment: This sequence change replaces alanine, which is neutral and non-polar, with valine, which is neutral and non-polar, at codon 98 of the SPAST protein (p.Ala98Val). This variant is not present in population databases (gnomAD no frequency). This variant has not been reported in the literature in individuals affected with SPAST-related conditions. ClinVar contains an entry for this variant (Variation ID: 2105081). Invitae Evidence Modeling of protein sequence and biophysical properties (such as structural, functional, and spatial information, amino acid conservation, physicochemical variation, residue mobility, and thermodynamic stability) indicates that this missense variant is not expected to disrupt SPAST protein function with a negative predictive value of 95%. In summary, the available evidence is currently insufficient to determine the role of this variant in disease. Therefore, it has been classified as a Variant of Uncertain Significance.

NM_014946.4(SPAST):c.293C>T (p.Ala98Val)

Gene: SPAST (spastin; plus strand). Cytogenetic location: 2p22.3.
Variant type: single nucleotide variant.
Coding change: c.293C>T on transcript NM_014946.4 (MANE Select); coding-DNA position 293, C replaced by T.
Protein change: p.Ala98Val; replaces alanine 98 with valine.
Molecular consequence: missense variant.
Genome position (GRCh38, 1-based): chr2:32,064,124, C>T. VCF-style: chr2-32064124-C-T. GRCh37 (hg19) VCF-style: chr2-32289193-C-T.
Other names: c.293C>T, p.Ala98Val (NM_001363823.2, NM_001363875.2, NM_001377959.1 and 1 more transcripts); short protein forms A98V.
Identifiers: ClinVar variation 2105081 (VCV002105081.4), dbSNP rs2465682024, ClinGen allele CA346602153.